The following is an entry in ClinVar:

ClinVar aggregate classification (germline): Uncertain significance (1 of 4 stars; one submission).

Conditions:
Leber congenital amaurosis 6 (LCA6). Identifiers: Orphanet 65, MedGen C1854260, MONDO:0013446, OMIM 613826.
Cone-rod dystrophy 13 (CORD13). Identifiers: Orphanet 1872, MedGen C2750720, MONDO:0011987, OMIM 608194.

Allele frequency attached by ClinVar (database versions not stated): gnomAD exomes below 0.00001; gnomAD 0.00001.

Submission:

Labcorp Genetics (formerly Invitae), Labcorp
Classification: Uncertain significance for Leber congenital amaurosis 6; Cone-rod dystrophy 13. Last evaluated: 2022-08-22. Review status: criteria provided, single submitter. Criteria: Invitae Variant Classification Sherloc (09022015). Collection method: clinical testing. Allele origin: germline.
Comment: In summary, the available evidence is currently insufficient to determine the role of this variant in disease. Therefore, it has been classified as a Variant of Uncertain Significance. Algorithms developed to predict the effect of missense changes on protein structure and function output the following: SIFT: "Tolerated"; PolyPhen-2: "Benign"; Align-GVGD: "Class C0". The histidine amino acid residue is found in multiple mammalian species, which suggests that this missense change does not adversely affect protein function. ClinVar contains an entry for this variant (Variation ID: 1000843). This variant has not been reported in the literature in individuals affected with RPGRIP1-related conditions. This variant is not present in population databases (gnomAD no frequency). This sequence change replaces arginine, which is basic and polar, with histidine, which is basic and polar, at codon 112 of the RPGRIP1 protein (p.Arg112His).

NM_020366.4(RPGRIP1):c.335G>A (p.Arg112His)

Gene: RPGRIP1 (RPGR interacting protein 1; plus strand). Cytogenetic location: 14q11.2.
Variant type: single nucleotide variant.
Coding change: c.335G>A on transcript NM_020366.4 (MANE Select); coding-DNA position 335, G replaced by A.
Protein change: p.Arg112His; replaces arginine 112 with histidine.
Molecular consequence: missense variant.
Genome position (GRCh38, 1-based): chr14:21,301,082, G>A. VCF-style: chr14-21301082-G-A. GRCh37 (hg19) VCF-style: chr14-21769241-G-A.
Other names: short protein forms R112H.
Identifiers: ClinVar variation 1000843 (VCV001000843.8), dbSNP rs1566671532, ClinGen allele CA388858830.